The following is an entry in ClinVar:

NM_001354930.2(RIPK1):c.1278C>A (p.Tyr426Ter)

Gene: RIPK1 (receptor interacting serine/threonine kinase 1; plus strand). Cytogenetic location: 6p25.2.
Variant type: single nucleotide variant.
Coding change: c.1278C>A on transcript NM_001354930.2 (MANE Select); coding-DNA position 1278, C replaced by A.
Protein change: p.Tyr426Ter; replaces tyrosine 426 with a stop codon.
Molecular consequence: nonsense.
Genome position (GRCh38, 1-based): chr6:3,105,753, C>A. VCF-style: chr6-3105753-C-A. GRCh37 (hg19) VCF-style: chr6-3105987-C-A.
Other names: c.789C>A, p.Tyr263Ter (NM_001317061.3, NM_001354932.2, NM_001354933.2 and 1 more transcripts); c.1140C>A, p.Tyr380Ter (NM_001354931.2); c.1278C>A, p.Tyr426Ter (NM_003804.6); short protein forms Y426*, Y263*, Y380*.
Identifiers: ClinVar variation 598789 (VCV000598789.3), dbSNP rs374657927, ClinGen allele CA362572351.

ClinVar aggregate classification (germline): Pathogenic (0 of 4 stars; one submission).

Conditions:
IL10-related early-onset inflammatory bowel disease. Also called: Immune dysregulation-inflammatory bowel disease-arthritis-recurrent infections syndrome; Autosomal recessive early-onset inflammatory bowel disease. Identifiers: Orphanet 238569, MedGen C4749850, MONDO:0016542.
Inborn error of immunity. Also called: Primary immunodeficiency; Inborn errors of immunity. Identifiers: Orphanet 101997, MedGen C0398686, MONDO:0003778.

Submission:

Klein lab, Ludwig-Maximilians-University
Classification: Pathogenic for Immune dysregulation-inflammatory bowel disease-arthritis-recurrent infections syndrome; Primary immunodeficiency. Review status: no assertion criteria provided. Collection method: research. Allele origin: germline. Affected: yes. Observed: 1 variant allele.

Literature cited by the submitters: PubMed 30591564.